The following is an entry in ClinVar:

ClinVar aggregate classification (germline): Uncertain significance (1 of 4 stars; one submission).

Conditions:
Walker-Warburg congenital muscular dystrophy. Also called: Muscular dystrophy-dystroglycanopathy, type A; Walker-Warburg syndrome. Identifiers: Orphanet 899, MedGen C0265221, MONDO:0000171.
Muscular dystrophy-dystroglycanopathy (congenital with impaired intellectual development), type B, 1. Also called: MUSCULAR DYSTROPHY, CONGENITAL, POMT1-RELATED; Muscular dystrophy-dystroglycanopathy (congenital with intellectual disability), type B1. Identifiers: MedGen C5436962, MONDO:0013159, OMIM 613155.
Autosomal recessive limb-girdle muscular dystrophy type 2K. Also called: MUSCULAR DYSTROPHY-DYSTROGLYCANOPATHY (LIMB-GIRDLE), TYPE C, 1; MUSCULAR DYSTROPHY, LIMB-GIRDLE, TYPE 2K. Identifiers: Orphanet 86812, MedGen C1836373, MONDO:0012248, OMIM 609308.

Allele frequency attached by ClinVar (database versions not stated): TOPMed 0.00001; gnomAD exomes 0.00002.
gnomAD v4.1: 22 of 1,614,038 alleles (0.0014%); highest among the groups gnomAD compares: Non-Finnish European, 0.0017%; no homozygotes.

Submission:

Labcorp Genetics (formerly Invitae), Labcorp
Classification: Uncertain significance for Muscular dystrophy-dystroglycanopathy (congenital with impaired intellectual development), type B, 1; Walker-Warburg congenital muscular dystrophy; Autosomal recessive limb-girdle muscular dystrophy type 2K. Last evaluated: 2023-04-07. Review status: criteria provided, single submitter. Criteria: Invitae Variant Classification Sherloc (09022015). Collection method: clinical testing. Allele origin: germline.
Comment: In summary, the available evidence is currently insufficient to determine the role of this variant in disease. Therefore, it has been classified as a Variant of Uncertain Significance. Variants that disrupt the consensus splice site are a relatively common cause of aberrant splicing (PMID: 17576681, 9536098). Algorithms developed to predict the effect of sequence changes on RNA splicing suggest that this variant may disrupt the consensus splice site. This variant has been observed in individual(s) with clinical features of POMT1-related conditions (Invitae). In at least one individual the data is consistent with being in trans (on the opposite chromosome) from a pathogenic variant. This variant is not present in population databases (gnomAD no frequency). This sequence change falls in intron 7 of the POMT1 gene. It does not directly change the encoded amino acid sequence of the POMT1 protein. It affects a nucleotide within the consensus splice site.

Literature cited by the submitters: PubMed 17576681; PubMed 9536098.

NM_001077365.2(POMT1):c.605+4A>G

Gene: POMT1 (protein O-mannosyltransferase 1; plus strand). Cytogenetic location: 9q34.13.
Variant type: single nucleotide variant.
Coding change: c.605+4A>G on transcript NM_001077365.2 (MANE Select); 4 bases into the intron after coding-DNA position 605, A replaced by G.
Molecular consequence: intron variant.
Genome position (GRCh38, 1-based): chr9:131,509,812, A>G. VCF-style: chr9-131509812-A-G. GRCh37 (hg19) VCF-style: chr9-134385199-A-G.
Other names: c.443+4A>G (NM_001353198.2, NM_001353194.2, NM_001374689.1 and 3 more transcripts); c.605+4A>G (NM_001353193.2, NM_001136113.2, NM_007171.4 and 1 more transcripts); c.254+4A>G (NM_001374691.1, NM_001353195.2, NM_001374692.1 and 2 more transcripts); c.515+4A>G (NM_001353196.2); c.149+4A>G (NM_001374695.1, NM_001353200.2); c.-532+4A>G (NM_001411024.1).
Identifiers: ClinVar variation 2924691 (VCV002924691.2), dbSNP rs767287237, ClinGen allele CA200784127.